The following is an entry in ClinVar:

ClinVar aggregate classification (germline): Uncertain significance (1 of 4 stars; one submission).

Allele frequency attached by ClinVar (database versions not stated): gnomAD exomes below 0.00001.
gnomAD v4.1: 1 of 1,613,096 alleles (0.000062%); highest among the groups gnomAD compares: East Asian, 0.0022%; no homozygotes.

Submission:

Labcorp Genetics (formerly Invitae), Labcorp
Classification: Uncertain significance. Last evaluated: 2022-07-28. Review status: criteria provided, single submitter. Criteria: Invitae Variant Classification Sherloc (09022015). Collection method: clinical testing. Allele origin: germline.
Comment: This sequence change replaces alanine, which is neutral and non-polar, with serine, which is neutral and polar, at codon 1376 of the SPTBN2 protein (p.Ala1376Ser). This variant is not present in population databases (gnomAD no frequency). This variant has not been reported in the literature in individuals affected with SPTBN2-related conditions. Advanced modeling of protein sequence and biophysical properties (such as structural, functional, and spatial information, amino acid conservation, physicochemical variation, residue mobility, and thermodynamic stability) performed at Invitae indicates that this missense variant is not expected to disrupt SPTBN2 protein function. In summary, the available evidence is currently insufficient to determine the role of this variant in disease. Therefore, it has been classified as a Variant of Uncertain Significance.

NM_006946.4(SPTBN2):c.4126G>T (p.Ala1376Ser)

Gene: SPTBN2 (spectrin beta, non-erythrocytic 2; minus strand). Cytogenetic location: 11q13.2.
Variant type: single nucleotide variant.
Coding change: c.4126G>T on transcript NM_006946.4 (MANE Select); coding-DNA position 4126, G replaced by T.
Protein change: p.Ala1376Ser; replaces alanine 1376 with serine.
Molecular consequence: missense variant.
Genome position (GRCh38, 1-based): chr11:66,696,429, C>A on the plus strand (G>T on the coding strand, the complement: SPTBN2 is on the minus strand). VCF-style: chr11-66696429-C-A. GRCh37 (hg19) VCF-style: chr11-66463900-C-A.
Other names: c.4147G>T, p.Ala1383Ser (NM_001411025.1); short protein forms A1376S, A1383S.
Identifiers: ClinVar variation 1714046 (VCV001714046.5), dbSNP rs1415291765, ClinGen allele CA381470972.